The following is an entry in ClinVar:

ClinVar aggregate classification (germline): Uncertain significance. Review status: criteria provided, multiple submitters, no conflicts (2 of 4 stars). 2 submissions from 2 submitters: Uncertain significance (2). Last evaluated 2024-12-31.

Conditions:
Dyskeratosis congenita. Identifiers: Orphanet 1775, MedGen C0265965, MONDO:0015780.
Idiopathic Pulmonary Fibrosis. Also called: Idiopathic fibrosing alveolitis, chronic form; idiopathic fibrosing alveolitis. Identifiers: Orphanet 2032, MedGen C1800706, MeSH D054990, MONDO:0800504.
Dyskeratosis congenita, autosomal dominant 2. Identifiers: MedGen C3151443, MONDO:0013521, OMIM 613989.

gnomAD v4.1: 3 of 1,581,460 alleles (0.00019%); highest among the groups gnomAD compares: Non-Finnish European, 0.00026%; no homozygotes.

Submissions (2):

Ambry Genetics
Classification: Uncertain significance for Dyskeratosis congenita. Last evaluated: 2024-12-31. Review status: criteria provided, single submitter. Criteria: Ambry Variant Classification Scheme 2023. Collection method: clinical testing. Allele origin: germline.
Comment: The p.R240L variant (also known as c.719G>T), located in coding exon 2 of the TERT gene, results from a G to T substitution at nucleotide position 719. The arginine at codon 240 is replaced by leucine, an amino acid with dissimilar properties. This amino acid position is poorly conserved in available vertebrate species. In addition, this alteration is predicted to be tolerated by in silico analysis. Based on the available evidence, the clinical significance of this variant remains unclear.

Labcorp Genetics (formerly Invitae), Labcorp
Classification: Uncertain significance for Dyskeratosis congenita, autosomal dominant 2; Idiopathic Pulmonary Fibrosis. Last evaluated: 2022-04-07. Review status: criteria provided, single submitter. Criteria: Invitae Variant Classification Sherloc (09022015). Collection method: clinical testing. Allele origin: germline.
Comment: In summary, the available evidence is currently insufficient to determine the role of this variant in disease. Therefore, it has been classified as a Variant of Uncertain Significance. Advanced modeling of protein sequence and biophysical properties (such as structural, functional, and spatial information, amino acid conservation, physicochemical variation, residue mobility, and thermodynamic stability) performed at Invitae indicates that this missense variant is not expected to disrupt TERT protein function. ClinVar contains an entry for this variant (Variation ID: 661453). This variant has not been reported in the literature in individuals affected with TERT-related conditions. The frequency data for this variant in the population databases is considered unreliable, as metrics indicate poor data quality at this position in the gnomAD database. This sequence change replaces arginine, which is basic and polar, with leucine, which is neutral and non-polar, at codon 240 of the TERT protein (p.Arg240Leu).

NM_198253.3(TERT):c.719G>T (p.Arg240Leu)

Gene: TERT (telomerase reverse transcriptase; minus strand). Cytogenetic location: 5p15.33.
Variant type: single nucleotide variant.
Coding change: c.719G>T on transcript NM_198253.3 (MANE Select); coding-DNA position 719, G replaced by T.
Protein change: p.Arg240Leu; replaces arginine 240 with leucine.
Molecular consequence: missense variant. On other transcripts: non-coding transcript variant (2).
Genome position (GRCh38, 1-based): chr5:1,294,167, C>A on the plus strand (G>T on the coding strand, the complement: TERT is on the minus strand). VCF-style: chr5-1294167-C-A. GRCh37 (hg19) VCF-style: chr5-1294282-C-A.
Other names: c.719G>T, p.Arg240Leu (NM_001193376.3); short protein forms R240L.
Identifiers: ClinVar variation 661453 (VCV000661453.12), dbSNP rs751231538, ClinGen allele CA359056960.